The following is an entry in ClinVar:

NM_001164665.2(KIAA1549):c.4625G>T (p.Arg1542Leu)

Gene: KIAA1549 (KIAA1549; minus strand). Cytogenetic location: 7q34.
Variant type: single nucleotide variant.
Coding change: c.4625G>T on transcript NM_001164665.2 (MANE Select); coding-DNA position 4625, G replaced by T.
Protein change: p.Arg1542Leu; replaces arginine 1542 with leucine.
Molecular consequence: missense variant.
Genome position (GRCh38, 1-based): chr7:138,869,688, C>A on the plus strand (G>T on the coding strand, the complement: KIAA1549 is on the minus strand). VCF-style: chr7-138869688-C-A. GRCh37 (hg19) VCF-style: chr7-138554434-C-A.
Other names: c.4625G>T, p.Arg1542Leu (NM_020910.3); short protein forms R1542L.
Identifiers: ClinVar variation 1443401 (VCV001443401.8), dbSNP rs769427032, ClinGen allele CA4505817.

ClinVar aggregate classification (germline): Uncertain significance (1 of 4 stars; one submission).

Allele frequency attached by ClinVar (database versions not stated): ExAC 0.00001.
gnomAD v4.1: 2 of 1,612,366 alleles (0.00012%); highest among the groups gnomAD compares: Non-Finnish European, 0.00017%; no homozygotes.

Submission:

Labcorp Genetics (formerly Invitae), Labcorp
Classification: Uncertain significance. Last evaluated: 2021-07-31. Review status: criteria provided, single submitter. Criteria: Invitae Variant Classification Sherloc (09022015). Collection method: clinical testing. Allele origin: germline.
Comment: This sequence change replaces arginine with leucine at codon 1542 of the KIAA1549 protein (p.Arg1542Leu). The arginine residue is highly conserved and there is a moderate physicochemical difference between arginine and leucine. This variant is present in population databases (rs769427032, ExAC 0.002%). This variant has not been reported in the literature in individuals with KIAA1549-related conditions. Algorithms developed to predict the effect of missense changes on protein structure and function (SIFT, PolyPhen-2, Align-GVGD) all suggest that this variant is likely to be disruptive, but these predictions have not been confirmed by published functional studies and their clinical significance is uncertain. In summary, the available evidence is currently insufficient to determine the role of this variant in disease. Therefore, it has been classified as a Variant of Uncertain Significance.